The following is an entry in ClinVar:

NM_000937.5(POLR2A):c.3028G>T (p.Val1010Leu)

Gene: POLR2A (RNA polymerase II subunit A; plus strand). Cytogenetic location: 17p13.1.
Variant type: single nucleotide variant.
Coding change: c.3028G>T on transcript NM_000937.5 (MANE Select); coding-DNA position 3028, G replaced by T.
Protein change: p.Val1010Leu; replaces valine 1010 with leucine.
Molecular consequence: missense variant.
Genome position (GRCh38, 1-based): chr17:7,503,484, G>T. VCF-style: chr17-7503484-G-T. GRCh37 (hg19) VCF-style: chr17-7406803-G-T.
Other names: short protein forms V1010L.
Identifiers: ClinVar variation 2663663 (VCV002663663.2), dbSNP rs921234918, ClinGen allele CA287418047.
Genomic context (GRCh38, chr17:7,503,484, plus strand): 5'-GCTCAGAAAATCTTCCACATCAACCCACGCCTTCCCTCCGACCTGCACCCCATCAAAGTG[G>T]TGGAGGGTAAGTACCTGCTTAGGGGTCTCCAAGCCAGGCTAGGGGATAGGAGACTGCTGG-3'
Protein context (NP_000928.1, residues 1000-1020): LPSDLHPIKV[Val1010Leu]EGVKELSKKL

ClinVar aggregate classification (germline): Uncertain significance (1 of 4 stars; one submission).

Submission:

GeneDx
Classification: Uncertain significance. Last evaluated: 2025-11-04. Review status: criteria provided, single submitter. Criteria: GeneDx Variant Classification Process June 2021. Collection method: clinical testing. Allele origin: germline.
Comment: Not observed at significant frequency in large population cohorts (gnomAD); In silico analysis supports that this missense variant has a deleterious effect on protein structure/function; Has not been previously published as pathogenic or benign to our knowledge